The following is an entry in ClinVar:

ClinVar aggregate classification (germline): Conflicting classifications of pathogenicity. Review status: criteria provided, conflicting classifications (1 of 4 stars). 2 submissions from 2 submitters: Uncertain significance (1); Likely benign (1). Last evaluated 2025-01-27.

Conditions:
Developmental delay, impaired growth, dysmorphic facies, and axonal neuropathy. Identifiers: MedGen C5436781, MONDO:0030835, OMIM 619090.
Charcot-Marie-Tooth disease axonal type 2Z. Also called: CHARCOT-MARIE-TOOTH DISEASE, AXONAL, AUTOSOMAL DOMINANT, TYPE 2Z; CHARCOT-MARIE-TOOTH NEUROPATHY, TYPE 2Z. Identifiers: Orphanet 466768, MedGen C5569025, MONDO:0014736, OMIM 616688.

Allele frequency attached by ClinVar (database versions not stated): ExAC 0.00002; TOPMed 0.00002.
gnomAD v4.1: 18 of 1,614,020 alleles (0.0011%); highest among the groups gnomAD compares: Middle Eastern, 0.016%; no homozygotes.

Submissions (2):

Labcorp Genetics (formerly Invitae), Labcorp
Classification: Likely benign for Charcot-Marie-Tooth disease axonal type 2Z. Last evaluated: 2025-01-27. Review status: criteria provided, single submitter. Criteria: Invitae Variant Classification Sherloc (09022015). Collection method: clinical testing. Allele origin: germline.

Laboratory of Medical Genetics, National & Kapodistrian University of Athens
Classification: Uncertain significance for Developmental delay, impaired growth, dysmorphic facies, and axonal neuropathy. Last evaluated: 2022-03-08. Review status: criteria provided, single submitter. Criteria: ACMG Guidelines, 2015. Collection method: clinical testing. Allele origin: paternal. Affected: yes.
Comment: PM2, PP3

NM_001303256.3(MORC2):c.733G>A (p.Ala245Thr)

Gene: MORC2 (MORC family CW-type zinc finger 2; minus strand). Cytogenetic location: 22q12.2.
Variant type: single nucleotide variant.
Coding change: c.733G>A on transcript NM_001303256.3 (MANE Select); coding-DNA position 733, G replaced by A.
Protein change: p.Ala245Thr; replaces alanine 245 with threonine.
Molecular consequence: missense variant.
Genome position (GRCh38, 1-based): chr22:30,941,524, C>T on the plus strand (G>A on the coding strand, the complement: MORC2 is on the minus strand). VCF-style: chr22-30941524-C-T. GRCh37 (hg19) VCF-style: chr22-31337511-C-T.
Other names: c.733G>A, p.Ala245Thr (NM_001303257.2); c.547G>A, p.Ala183Thr (NM_014941.3); short protein forms A183T, A245T.
Identifiers: ClinVar variation 1708086 (VCV001708086.4), dbSNP rs771884588, ClinGen allele CA10187173.